The following is an entry in ClinVar:

NM_007289.4(MME):c.2108C>T (p.Ala703Val)

Gene: MME (membrane metalloendopeptidase; plus strand). Cytogenetic location: 3q25.2.
Variant type: single nucleotide variant.
Coding change: c.2108C>T on transcript NM_007289.4 (MANE Select); coding-DNA position 2108, C replaced by T.
Protein change: p.Ala703Val; replaces alanine 703 with valine.
Molecular consequence: missense variant.
Genome position (GRCh38, 1-based): chr3:155,172,567, C>T. VCF-style: chr3-155172567-C-T. GRCh37 (hg19) VCF-style: chr3-154890356-C-T.
Other names: c.2108C>T, p.Ala703Val (NM_000902.5, NM_001354642.2, NM_001354643.1 and 2 more transcripts); c.2108C>T (NM_007289.2); short protein forms A703V.
Identifiers: ClinVar variation 1407883 (VCV001407883.6), dbSNP rs200313650, ClinGen allele CA2675748.

ClinVar aggregate classification (germline): Uncertain significance. Review status: criteria provided, multiple submitters, no conflicts (2 of 4 stars). 2 submissions from 2 submitters: Uncertain significance (2). Last evaluated 2025-05-07.

Conditions:
Inborn genetic diseases. Identifiers: MedGen C0950123, MeSH D030342.

Allele frequency attached by ClinVar (database versions not stated): ExAC 0.00002; TOPMed 0.00003; gnomAD exomes 0.00005; gnomAD 0.00002.
gnomAD v4.1: 53 of 1,612,564 alleles (0.0033%); highest among the groups gnomAD compares: East Asian, 0.011%; no homozygotes.

Submissions (2):

Ambry Genetics
Classification: Uncertain significance for Inborn genetic diseases. Last evaluated: 2025-05-07. Review status: criteria provided, single submitter. Criteria: Ambry Variant Classification Scheme 2023. Collection method: clinical testing. Allele origin: germline.

Labcorp Genetics (formerly Invitae), Labcorp
Classification: Uncertain significance. Last evaluated: 2021-09-25. Review status: criteria provided, single submitter. Criteria: Invitae Variant Classification Sherloc (09022015). Collection method: clinical testing. Allele origin: germline.
Comment: This sequence change replaces alanine with valine at codon 703 of the MME protein (p.Ala703Val). The alanine residue is highly conserved and there is a small physicochemical difference between alanine and valine. This variant is present in population databases (rs200313650, ExAC 0.01%). This variant has not been reported in the literature in individuals affected with MME-related conditions. Algorithms developed to predict the effect of missense changes on protein structure and function are either unavailable or do not agree on the potential impact of this missense change (SIFT: "Tolerated"; PolyPhen-2: "Possibly Damaging"; Align-GVGD: "Class C0"). In summary, the available evidence is currently insufficient to determine the role of this variant in disease. Therefore, it has been classified as a Variant of Uncertain Significance.